The following is an entry in ClinVar:

NM_203447.4(DOCK8):c.313C>G (p.Pro105Ala)

Genes: DOCK8 (dedicator of cytokinesis 8; plus strand), LOC126860552 (BRD4-independent group 4 enhancer GRCh37_chr9:285795-286994; plus strand). Cytogenetic location: 9p24.3.
Variant type: single nucleotide variant.
Coding change: c.313C>G on transcript NM_203447.4 (MANE Select); coding-DNA position 313, C replaced by G.
Protein change: p.Pro105Ala; replaces proline 105 with alanine.
Molecular consequence: missense variant.
Genome position (GRCh38, 1-based): chr9:286,617, C>G. VCF-style: chr9-286617-C-G. GRCh37 (hg19) VCF-style: chr9-286617-C-G.
Other names: c.109C>G, p.Pro37Ala (NM_001190458.2, NM_001193536.2); short protein forms P37A, P105A.
Identifiers: ClinVar variation 946985 (VCV000946985.10), dbSNP rs756344239, ClinGen allele CA4957163.

ClinVar aggregate classification (germline): Uncertain significance (1 of 4 stars; one submission).

Conditions:
Combined immunodeficiency due to DOCK8 deficiency (HIES2). Also called: DOCK8 Deficiency; HIES autosomal recessive; HYPER-IgE RECURRENT INFECTION SYNDROME 2, AUTOSOMAL RECESSIVE; HYPER-IgE SYNDROME 2, AUTOSOMAL RECESSIVE, WITH RECURRENT INFECTIONS; Hyper-IgE recurrent infection syndrome, autosomal recessive. Identifiers: Orphanet 217390, MedGen C4722305, MONDO:0009478, OMIM 243700.

Allele frequency attached by ClinVar (database versions not stated): gnomAD exomes 0.00002; ExAC 0.00005.
gnomAD v4.1: 13 of 1,613,786 alleles (0.00081%); highest among the groups gnomAD compares: Non-Finnish European, 0.001%; no homozygotes.

Submission:

Labcorp Genetics (formerly Invitae), Labcorp
Classification: Uncertain significance for Combined immunodeficiency due to DOCK8 deficiency. Last evaluated: 2022-10-23. Review status: criteria provided, single submitter. Criteria: Invitae Variant Classification Sherloc (09022015). Collection method: clinical testing. Allele origin: germline.
Comment: This sequence change replaces proline, which is neutral and non-polar, with alanine, which is neutral and non-polar, at codon 105 of the DOCK8 protein (p.Pro105Ala). This variant is present in population databases (rs756344239, gnomAD 0.005%). In summary, the available evidence is currently insufficient to determine the role of this variant in disease. Therefore, it has been classified as a Variant of Uncertain Significance. Algorithms developed to predict the effect of missense changes on protein structure and function output the following: SIFT: "Tolerated"; PolyPhen-2: "Benign"; Align-GVGD: "Class C0". The alanine amino acid residue is found in multiple mammalian species, which suggests that this missense change does not adversely affect protein function. ClinVar contains an entry for this variant (Variation ID: 946985). This variant has not been reported in the literature in individuals affected with DOCK8-related conditions.